The following is an entry in ClinVar:

NM_205768.3(ZBTB18):c.1391G>T (p.Arg464Leu)

Gene: ZBTB18 (zinc finger and BTB domain containing 18; plus strand). Cytogenetic location: 1q44.
Variant type: single nucleotide variant.
Coding change: c.1391G>T on transcript NM_205768.3 (MANE Select); coding-DNA position 1391, G replaced by T.
Protein change: p.Arg464Leu; replaces arginine 464 with leucine.
Molecular consequence: missense variant.
Genome position (GRCh38, 1-based): chr1:244,055,165, G>T. VCF-style: chr1-244055165-G-T. GRCh37 (hg19) VCF-style: chr1-244218467-G-T.
Other names: NM_205768.3(ZBTB18):c.1391G>T; p.Arg464Leu; c.1364G>T, p.Arg455Leu (NM_001278196.2, NM_006352.5); short protein forms R455L, R464L.
Identifiers: ClinVar variation 1687557 (VCV001687557.2), dbSNP rs1558149913, ClinGen allele CA345675026.
Genomic context (GRCh38, chr1:244,055,165, plus strand): 5'-AGAAGCCCTACACATGCACCCAGTGCGGCAAGAGCTTCCAGTACTCGCACAACCTGAGCC[G>T]CCATGCCGTGGTGCACACCCGCGAGAAGCCGCACGCCTGCAAGTGGTGCGAGCGCAGGTT-3'
Protein context (NP_991331.1, residues 454-474): KSFQYSHNLS[Arg464Leu]HAVVHTREKP

ClinVar aggregate classification (germline): Likely pathogenic. Review status: criteria provided, multiple submitters, no conflicts (2 of 4 stars). 2 submissions from 2 submitters: Likely pathogenic (2). Last evaluated 2024-05-17.

Conditions:
Intellectual developmental disorder, autosomal dominant 22. Also called: Intellectual disability, autosomal dominant 22. Identifiers: MedGen CN029689, MONDO:0012869, OMIM 612337.
Intellectual disability. Also called: Intellectual functioning disability; intellectual disabilities; Intellectual developmental disorder. Identifiers: MedGen C3714756, MeSH D008607, MONDO:0001071, HP:0001249.

Submissions (2):

Broad Center for Mendelian Genomics, Broad Institute of MIT and Harvard
Classification: Likely pathogenic for Intellectual disability. Last evaluated: 2024-05-17. Review status: criteria provided, single submitter. Criteria: ACMG Guidelines, 2015. Collection method: curation. Allele origin: germline. Inheritance: Autosomal dominant inheritance.
Comment: Trio exome analysis showed this variant to be de novo. The variant is absent from large population studies. This variant has been reported in ClinVar (Variation ID: 1687557) and has been interpreted as likely pathogenic by 3billion. Computational prediction tools and conservation analyses do not provide strong support for or against an impact to the protein. The number of missense variants reported in ZBTB18 in the general population is lower than expected, suggesting there is little benign variation in this gene and slightly increasing the possibility that a missense variant in this gene may not be tolerated. Two additional pathogenic variants, resulting in a different amino acid change at the same position, (p.Arg464Cys and Arg464His), have been reported in association with disease in the literature, supporting that a change at this position may not be tolerated (Variation IDs: 440857, 617452). In summary, although additional studies are required to fully establish its clinical significance, this variant is likely pathogenic for autosomal dominant intellectual developmental disorder 22. ACMG/AMP Criteria applied: PS2_Supporting, PM2_Supporting, PP2, PM5_Strong (Richards 2015).

3billion
Classification: Likely pathogenic for Intellectual developmental disorder, autosomal dominant 22. Last evaluated: 2022-05-22. Review status: criteria provided, single submitter. Criteria: ACMG Guidelines, 2015. Collection method: clinical testing. Allele origin: germline. Affected: yes. Observed: 1 heterozygote.
Comment: Different pathogenic amino acid change has been reported with sufficient evidence at the same codon (ClinVar ID: VCV000440857,VCV000617452, PMID:27598823, 28283832). The variant is located in a well-established functional domain or exonic hotspot, where pathogenic variants have frequently reported. In silico prediction tools and conservation analysis predicted that this variant was probably damaging to the protein structure/function (3CNET: 0.973>=0.75). It is absent from the gnomAD v2.1.1 dataset. Therefore, this variant is classified as likely pathogenic according to the recommendation of ACMG/AMP guideline.

Literature cited by the submitters: PubMed 27598823 (cited by 3billion); PubMed 28283832 (cited by 3billion).